The following is an entry in ClinVar:

ClinVar aggregate classification (germline): Uncertain significance. Review status: criteria provided, multiple submitters, no conflicts (2 of 4 stars). 2 submissions from 2 submitters: Uncertain significance (2). Last evaluated 2024-07-26.

Conditions:
Hereditary cancer-predisposing syndrome. Also called: Neoplastic Syndromes, Hereditary; Tumor predisposition; Hereditary neoplastic syndrome; Hereditary Cancer Syndrome. Identifiers: Orphanet 140162, MedGen C0027672, MeSH D009386, MONDO:0015356.
Familial cancer of breast. Also called: BREAST CANCER, FAMILIAL; Hereditary breast cancer; hereditary breast carcinoma. Identifiers: Orphanet 227535, MedGen C0346153, MONDO:0016419, OMIM 114480. Disease mechanism: loss of function.

Submissions (2):

Ambry Genetics
Classification: Uncertain significance for Hereditary cancer-predisposing syndrome. Last evaluated: 2024-07-26. Review status: criteria provided, single submitter. Criteria: Ambry Variant Classification Scheme 2023. Collection method: clinical testing. Allele origin: germline.
Comment: The p.S265F variant (also known as c.794C>T), located in coding exon 4 of the BARD1 gene, results from a C to T substitution at nucleotide position 794. The serine at codon 265 is replaced by phenylalanine, an amino acid with highly dissimilar properties. This amino acid position is conserved. In addition, this alteration is predicted to be tolerated by in silico analysis. Since supporting evidence is limited at this time, the clinical significance of this alteration remains unclear.

Labcorp Genetics (formerly Invitae), Labcorp
Classification: Uncertain significance for Familial cancer of breast. Last evaluated: 2021-01-27. Review status: criteria provided, single submitter. Criteria: Invitae Variant Classification Sherloc (09022015). Collection method: clinical testing. Allele origin: germline.
Comment: This variant is not present in population databases (ExAC no frequency). This sequence change replaces serine with phenylalanine at codon 265 of the BARD1 protein (p.Ser265Phe). The serine residue is highly conserved and there is a large physicochemical difference between serine and phenylalanine. In summary, the available evidence is currently insufficient to determine the role of this variant in disease. Therefore, it has been classified as a Variant of Uncertain Significance. Algorithms developed to predict the effect of missense changes on protein structure and function are either unavailable or do not agree on the potential impact of this missense change (SIFT: "Deleterious"; PolyPhen-2: "Benign"; Align-GVGD: "Class C0"). This variant has not been reported in the literature in individuals with BARD1-related conditions.

NM_000465.4(BARD1):c.794C>T (p.Ser265Phe)

Gene: BARD1 (BRCA1 associated RING domain 1; minus strand). Cytogenetic location: 2q35.
Variant type: single nucleotide variant.
Coding change: c.794C>T on transcript NM_000465.4 (MANE Select); coding-DNA position 794, C replaced by T.
Protein change: p.Ser265Phe; replaces serine 265 with phenylalanine.
Molecular consequence: missense variant. On other transcripts: non-coding transcript variant (2), intron variant (3).
Genome position (GRCh38, 1-based): chr2:214,781,080, G>A on the plus strand (C>T on the coding strand, the complement: BARD1 is on the minus strand). VCF-style: chr2-214781080-G-A. GRCh37 (hg19) VCF-style: chr2-215645804-G-A.
Other names: c.737C>T, p.Ser246Phe (NM_001282543.2); c.158+28332C>T (NM_001282548.2); c.215+15981C>T (NM_001282545.2); c.364+11217C>T (NM_001282549.2); short protein forms S246F, S265F.
Identifiers: ClinVar variation 1388810 (VCV001388810.12), dbSNP rs1434287864, ClinGen allele CA350455671.